The following is an entry in ClinVar:

ClinVar aggregate classification (germline): Benign (0 of 4 stars; one submission).

Conditions:
CA12-related disorder. Also called: CA12-related condition.

Allele frequency attached by ClinVar (database versions not stated): ESP Exome Variant Server 0.00015; TOPMed 0.00016; gnomAD 0.00089; gnomAD exomes 0.00161; ExAC 0.00388; 1000 Genomes Project 30x 0.00671; 1000 Genomes Project 0.00719.
gnomAD v4.1: 2,489 of 1,614,118 alleles (0.15%); highest among the groups gnomAD compares: South Asian, 2.5%; 60 homozygotes.

Submission:

PreventionGenetics, part of Exact Sciences
Classification: Benign for CA12-related condition. Last evaluated: 2019-02-22. Review status: no assertion criteria provided. Collection method: clinical testing. Allele origin: germline.
Comment: This variant is classified as benign based on ACMG/AMP sequence variant interpretation guidelines (Richards et al. 2015 PMID: 25741868, with internal and published modifications).

NM_001218.5(CA12):c.665G>A (p.Arg222Gln)

Gene: CA12 (carbonic anhydrase 12; minus strand). Cytogenetic location: 15q22.2.
Variant type: single nucleotide variant.
Coding change: c.665G>A on transcript NM_001218.5 (MANE Select); coding-DNA position 665, G replaced by A.
Protein change: p.Arg222Gln; replaces arginine 222 with glutamine.
Molecular consequence: missense variant. On other transcripts: non-coding transcript variant (1).
Genome position (GRCh38, 1-based): chr15:63,340,370, C>T on the plus strand (G>A on the coding strand, the complement: CA12 is on the minus strand). VCF-style: chr15-63340370-C-T. GRCh37 (hg19) VCF-style: chr15-63632569-C-T.
Other names: c.485G>A, p.Arg162Gln (NM_001293642.2); c.665G>A, p.Arg222Gln (NM_206925.3); short protein forms R162Q, R222Q.
Identifiers: ClinVar variation 3038552 (VCV003038552.2), dbSNP rs151338276, ClinGen allele CA7602403.